The following is an entry in ClinVar:

NM_001160372.4(TRAPPC9):c.3292G>C (p.Gly1098Arg)

Gene: TRAPPC9 (trafficking protein particle complex subunit 9; minus strand). Cytogenetic location: 8q24.3.
Variant type: single nucleotide variant.
Coding change: c.3292G>C on transcript NM_001160372.4 (MANE Select); coding-DNA position 3292, G replaced by C.
Protein change: p.Gly1098Arg; replaces glycine 1098 with arginine.
Molecular consequence: missense variant. On other transcripts: non-coding transcript variant (1).
Genome position (GRCh38, 1-based): chr8:139,731,216, C>G on the plus strand (G>C on the coding strand, the complement: TRAPPC9 is on the minus strand). VCF-style: chr8-139731216-C-G. GRCh37 (hg19) VCF-style: chr8-140743459-C-G.
Other names: c.3265G>C, p.Gly1089Arg (NM_001321646.2); c.3313G>C, p.Gly1105Arg (NM_001374682.1); c.3181G>C, p.Gly1061Arg (NM_001374683.1); c.3148G>C, p.Gly1050Arg (NM_001374684.1); c.3292G>C, p.Gly1098Arg (NM_031466.8); short protein forms G1098R, G1089R, G1050R, G1061R, G1105R.
Identifiers: ClinVar variation 212434 (VCV000212434.8), dbSNP rs536787964, ClinGen allele CA207313.
Genomic context (GRCh38, chr8:139,731,216, plus strand): 5'-TGTGGAGGAAGAAGTCTCCCGTGTAGAGGAAGAGGAGGGCCCCGAGGCAGGCCGACTGGC[C>G]GGACGGCTGCACCTGAGCAGGGAGGAGAAAGACACATCAGTCTGGTCAGCAGCAGGGGCC-3'
Protein context (NP_001153844.1, residues 1088-1108): TFYLDAVQPS[Gly1098Arg]QSACLGALLF

ClinVar aggregate classification (germline): Uncertain significance. Review status: criteria provided, multiple submitters, no conflicts (2 of 4 stars). 3 submissions from 3 submitters: Uncertain significance (3). Last evaluated 2023-09-22.

Conditions:
Inborn genetic diseases. Identifiers: MedGen C0950123, MeSH D030342.
Intellectual developmental disorder, autosomal recessive 13. Also called: Intellectual disability, autosomal recessive 13. Identifiers: Orphanet 88616, MedGen C2750791, MONDO:0013173, OMIM 613192.

Allele frequency attached by ClinVar (database versions not stated): 1000 Genomes Project 30x 0.00031; 1000 Genomes Project 0.00040.
gnomAD v4.1: 77 of 1,613,418 alleles (0.0048%); highest among the groups gnomAD compares: South Asian, 0.076%; 3 homozygotes.

Submissions (3):

Ambry Genetics
Classification: Uncertain significance for Inborn genetic diseases. Last evaluated: 2023-09-22. Review status: criteria provided, single submitter. Criteria: Ambry Variant Classification Scheme 2023. Collection method: clinical testing. Allele origin: germline.

Genetic Services Laboratory, University of Chicago
Classification: Uncertain significance. Last evaluated: 2014-09-11. Review status: criteria provided, single submitter. Criteria: ACMG Guidelines, 2015. Collection method: clinical testing. Allele origin: germline.

Neuberg Centre For Genomic Medicine, NCGM
Classification: Uncertain significance for Intellectual developmental disorder, autosomal recessive 13. Review status: criteria provided, single submitter. Criteria: ACMG Guidelines, 2015. Collection method: clinical testing. Allele origin: germline. Inheritance: Autosomal recessive inheritance. Affected: yes.
Comment: The observed missense variant c.3292G>C(p.Gly1098Arg) in TRAPPC9 gene has not been reported previously as a pathogenic variant nor as a benign variant, to our knowledge. The c.3292G>C variant is reported with 0.01% allele frequency in gnomAD Exomes. It has been submitted to ClinVar as Uncertain Significance. However, study on multiple affected individuals and functional impact of the variant is not available. The amino acid Glycine at position 1098 is changed to a Arginine changing protein sequence and it might alter its composition and physico-chemical properties. The amino acid change p.Gly1098Arg in TRAPPC9 is predicted as conserved by GERP++ and PhyloP across 100 vertebrates. For these reasons, this variant has been classified as Uncertain Significance.